The following is an entry in ClinVar:

NM_002487.3(NDN):c.398A>G (p.Lys133Arg)

Gene: NDN (necdin, MAGE family member; minus strand). Cytogenetic location: 15q11.2.
Variant type: single nucleotide variant.
Coding change: c.398A>G on transcript NM_002487.3 (MANE Select); coding-DNA position 398, A replaced by G.
Protein change: p.Lys133Arg; replaces lysine 133 with arginine.
Molecular consequence: missense variant.
Genome position (GRCh38, 1-based): chr15:23,686,820, T>C on the plus strand (A>G on the coding strand, the complement: NDN is on the minus strand). VCF-style: chr15-23686820-T-C. GRCh37 (hg19) VCF-style: chr15-23931967-T-C.
Other names: short protein forms K133R.
Identifiers: ClinVar variation 3902226 (VCV003902226.1).

ClinVar aggregate classification (germline): Uncertain significance (1 of 4 stars; one submission).

Submission:

Women's Health and Genetics/Laboratory Corporation of America, LabCorp
Classification: Uncertain significance. Last evaluated: 2025-05-29. Review status: criteria provided, single submitter. Criteria: LabCorp Variant Classification Summary - May 2015. Collection method: clinical testing. Allele origin: germline.
Comment: Variant summary: NDN c.398A>G (p.Lys133Arg) results in a conservative amino acid change in the encoded protein sequence. Algorithms developed to predict the effect of missense changes on protein structure and function are either unavailable or do not agree on the potential impact of this missense change. The variant allele was found at a frequency of 1.7e-05 in 1607108 control chromosomes. This frequency is not significantly higher than estimated for a pathogenic variant in NDN causing NDN-Related Disorders, allowing no conclusion about variant significance. To our knowledge, no occurrence of c.398A>G in individuals affected with NDN-Related Disorders and no experimental evidence demonstrating its impact on protein function have been reported. No submitters have cited clinical-significance assessments for this variant to ClinVar. Based on the evidence outlined above, the variant was classified as uncertain significance.